The following is an entry in ClinVar:

NM_001363118.2(SLC52A2):c.1140del (p.Leu381fs)

Gene: SLC52A2 (solute carrier family 52 member 2; plus strand). Cytogenetic location: 8q24.3.
Variant type: Deletion.
Coding change: c.1140del on transcript NM_001363118.2 (MANE Select); coding-DNA position 1140, one base deleted (G; older notation c.1140delG).
Protein change: p.Leu381fs; shifts the reading frame from leucine 381.
Molecular consequence: frameshift variant. On other transcripts: non-coding transcript variant (1).
Genome position (GRCh38, 1-based): chr8:144,360,817, G deleted. VCF-style (leftmost placement, unchanged base first): chr8-144360816-TG-T. GRCh37 (hg19) VCF-style: chr8-145584476-TG-T.
Other names: c.1140delG (NM_024531.4); c.1140del (NM_024531.4); c.1140del, p.Leu381fs (NM_001253815.2, NM_001253816.2, NM_001363120.2 and 2 more transcripts); c.648del, p.Leu217fs (NM_001363122.2); short protein forms L381fs, L217fs.
Identifiers: ClinVar variation 246543 (VCV000246543.9), dbSNP rs879254305, ClinGen allele CA10584290.
Genomic context (GRCh38, chr8:144,360,816, plus strand): 5'-CTGGAGCAGGCACATCTCACGCTCAGCTGGTGCTGTGTCCCCCTCAGGTGCTGTCGTGGG[TG>T]CTGTGTCTTGGCGTGTTCTCCTACGTGAAGGTGGCAGCCAGCTCCCTGCTGCATGGCGGG-3'

ClinVar aggregate classification (germline): Pathogenic/Likely pathogenic. Review status: criteria provided, multiple submitters, no conflicts (2 of 4 stars). 2 submissions from 2 submitters: Pathogenic (1); Likely pathogenic (1). Last evaluated 2026-09-23.

Conditions:
Brown-Vialetto-van Laere syndrome 2. Also called: SPINOCEREBELLAR ATAXIA WITH BLINDNESS AND DEAFNESS 2; Riboflavin transporter deficiency type 2. Identifiers: Orphanet 572543, Orphanet 97229, MedGen C3553538, MONDO:0013867, OMIM 614707.

Allele frequency attached by ClinVar (database versions not stated): gnomAD exomes below 0.00001.

Submissions (2):

GeneDx
Classification: Likely pathogenic. Last evaluated: 2026-09-23. Review status: criteria provided, single submitter. Criteria: GeneDx Variant Classification Process June 2021. Collection method: clinical testing. Allele origin: germline.
Comment: Frameshift variant predicted to result in abnormal protein length as the last 65 amino acid(s) are replaced with 8 different amino acid(s), and other similar variants have been reported in HGMD; Not observed at significant frequency in large population cohorts (gnomAD); This variant is associated with the following publications: (PMID: 39546739)

Labcorp Genetics (formerly Invitae), Labcorp
Classification: Pathogenic for Brown-Vialetto-van Laere syndrome 2. Last evaluated: 2022-10-28. Review status: criteria provided, single submitter. Criteria: Invitae Variant Classification Sherloc (09022015). Collection method: clinical testing. Allele origin: germline.
Comment: For these reasons, this variant has been classified as Pathogenic. This variant disrupts a region of the SLC52A2 protein in which other variant(s) (p.Ala420Thr) have been determined to be pathogenic (PMID: 24253200; Invitae). This suggests that this is a clinically significant region of the protein, and that variants that disrupt it are likely to be disease-causing. ClinVar contains an entry for this variant (Variation ID: 246543). This variant has not been reported in the literature in individuals affected with SLC52A2-related conditions. This variant is not present in population databases (gnomAD no frequency). This sequence change creates a premature translational stop signal (p.Leu381Cysfs*9) in the SLC52A2 gene. While this is not anticipated to result in nonsense mediated decay, it is expected to disrupt the last 65 amino acid(s) of the SLC52A2 protein.

Literature cited by the submitters: PubMed 24253200 (cited by Labcorp Genetics (formerly Invitae), Labcorp).